The following is an entry in ClinVar:

ClinVar aggregate classification (germline): Uncertain significance (1 of 4 stars; one submission).

Submission:

GeneDx
Classification: Uncertain significance. Last evaluated: 2026-04-10. Review status: criteria provided, single submitter. Criteria: GeneDx Variant Classification Process June 2021. Collection method: clinical testing. Allele origin: germline.
Comment: Not observed at significant frequency in large population cohorts (gnomAD); In silico analysis supports that this missense variant has a deleterious effect on protein structure/function; Has not been previously published as pathogenic or benign to our knowledge

NM_173495.3(PTCHD1):c.934C>T (p.Leu312Phe)

Gene: PTCHD1 (patched domain containing 1; plus strand). Cytogenetic location: Xp22.11.
Variant type: single nucleotide variant.
Coding change: c.934C>T on transcript NM_173495.3 (MANE Select); coding-DNA position 934, C replaced by T.
Protein change: p.Leu312Phe; replaces leucine 312 with phenylalanine.
Molecular consequence: missense variant.
Genome position (GRCh38, 1-based): chrX:23,380,173, C>T. VCF-style: chrX-23380173-C-T. GRCh37 (hg19) VCF-style: chrX-23398290-C-T.
Other names: short protein forms L312F.
Identifiers: ClinVar variation 5037005 (VCV005037005.1).